The following is an entry in ClinVar:

ClinVar aggregate classification (germline): Uncertain significance (1 of 4 stars; one submission).

Allele frequency attached by ClinVar (database versions not stated): gnomAD 0.00001; TOPMed 0.00001.
gnomAD v4.1: 1 of 1,613,824 alleles (0.000062%); highest among the groups gnomAD compares: African/African-American, 0.0013%; no homozygotes.

Submission:

Labcorp Genetics (formerly Invitae), Labcorp
Classification: Uncertain significance. Last evaluated: 2022-06-12. Review status: criteria provided, single submitter. Criteria: Invitae Variant Classification Sherloc (09022015). Collection method: clinical testing. Allele origin: germline.
Comment: In summary, the available evidence is currently insufficient to determine the role of this variant in disease. Therefore, it has been classified as a Variant of Uncertain Significance. Advanced modeling of protein sequence and biophysical properties (such as structural, functional, and spatial information, amino acid conservation, physicochemical variation, residue mobility, and thermodynamic stability) performed at Invitae indicates that this missense variant is not expected to disrupt DCHS1 protein function. This variant has not been reported in the literature in individuals affected with DCHS1-related conditions. This variant is not present in population databases (gnomAD no frequency). This sequence change replaces serine, which is neutral and polar, with glycine, which is neutral and non-polar, at codon 2120 of the DCHS1 protein (p.Ser2120Gly).

NM_003737.4(DCHS1):c.6358A>G (p.Ser2120Gly)

Gene: DCHS1 (dachsous cadherin-related 1; minus strand). Cytogenetic location: 11p15.4.
Variant type: single nucleotide variant.
Coding change: c.6358A>G on transcript NM_003737.4 (MANE Select); coding-DNA position 6358, A replaced by G.
Protein change: p.Ser2120Gly; replaces serine 2120 with glycine.
Molecular consequence: missense variant.
Genome position (GRCh38, 1-based): chr11:6,626,558, T>C on the plus strand (A>G on the coding strand, the complement: DCHS1 is on the minus strand). VCF-style: chr11-6626558-T-C. GRCh37 (hg19) VCF-style: chr11-6647789-T-C.
Other names: short protein forms S2120G.
Identifiers: ClinVar variation 2005185 (VCV002005185.4), dbSNP rs1197372915, ClinGen allele CA379388297.